The following is an entry in ClinVar:

ClinVar aggregate classification (germline): Uncertain significance (1 of 4 stars; one submission).

Submission:

Ambry Genetics
Classification: Uncertain significance. Last evaluated: 2025-10-02. Review status: criteria provided, single submitter. Criteria: Ambry Variant Classification Scheme 2023. Collection method: clinical testing. Allele origin: germline.
Comment: The p.L282P variant (also known as c.845T>C), located in coding exon 1 of the MC1R gene, results from a T to C substitution at nucleotide position 845. The leucine at codon 282 is replaced by proline, an amino acid with similar properties. This amino acid position is conserved. In addition, this alteration is predicted to be deleterious by in silico analysis. Based on the available evidence, the clinical significance of this variant remains unclear.

NM_002386.4(MC1R):c.845T>C (p.Leu282Pro)

Gene: MC1R (melanocortin 1 receptor; plus strand). Cytogenetic location: 16q24.3.
Variant type: single nucleotide variant.
Coding change: c.845T>C on transcript NM_002386.4 (MANE Select); coding-DNA position 845, T replaced by C.
Protein change: p.Leu282Pro; replaces leucine 282 with proline.
Molecular consequence: missense variant.
Genome position (GRCh38, 1-based): chr16:89,920,103, T>C. VCF-style: chr16-89920103-T-C. GRCh37 (hg19) VCF-style: chr16-89986511-T-C.
Other names: short protein forms L282P.
Identifiers: ClinVar variation 4550295 (VCV004550295.1).